The following is an entry in ClinVar:

NM_001283009.2(RTEL1):c.1474A>T (p.Met492Leu)

Genes: RTEL1 (regulator of telomere elongation helicase 1; plus strand), RTEL1-TNFRSF6B (RTEL1-TNFRSF6B readthrough (NMD candidate); plus strand). Cytogenetic location: 20q13.33.
Variant type: single nucleotide variant.
Coding change: c.1474A>T on transcript NM_001283009.2 (MANE Select); coding-DNA position 1474, A replaced by T.
Protein change: p.Met492Leu; replaces methionine 492 with leucine.
Molecular consequence: missense variant. On other transcripts: non-coding transcript variant (1).
Genome position (GRCh38, 1-based): chr20:63,687,763, A>T. VCF-style: chr20-63687763-A-T. GRCh37 (hg19) VCF-style: chr20-62319116-A-T.
Other names: c.805A>T, p.Met269Leu (NM_001283010.1); c.1474A>T, p.Met492Leu (NM_016434.4); c.1546A>T, p.Met516Leu (NM_032957.5); short protein forms M492L, M516L, M269L.
Identifiers: ClinVar variation 2182111 (VCV002182111.2), dbSNP rs2090629735, ClinGen allele CA409676410.

ClinVar aggregate classification (germline): Uncertain significance. Review status: criteria provided, multiple submitters, no conflicts (2 of 4 stars). 2 submissions from 2 submitters: Uncertain significance (2). Last evaluated 2021-09-01.

Conditions:
Pulmonary fibrosis and/or bone marrow failure, Telomere-related, 3. Also called: PULMONARY FIBROSIS AND/OR BONE MARROW FAILURE SYNDROME, TELOMERE-RELATED, 3. Identifiers: Orphanet 2032, MedGen C4225346, MONDO:0014613, OMIM 616373.
Dyskeratosis congenita, autosomal recessive 5 (DKCB5). Identifiers: MedGen C3554656, MONDO:0014076, OMIM 615190.

Allele frequency attached by ClinVar (database versions not stated): gnomAD exomes below 0.00001.
gnomAD v4.1: 2 of 1,573,664 alleles (0.00013%); highest among the groups gnomAD compares: South Asian, 0.0012%; no homozygotes.

Submissions (2):

Labcorp Genetics (formerly Invitae), Labcorp
Classification: Uncertain significance for Dyskeratosis congenita, autosomal recessive 5; Pulmonary fibrosis and/or bone marrow failure, Telomere-related, 3. Last evaluated: 2021-09-01. Review status: criteria provided, single submitter. Criteria: Invitae Variant Classification Sherloc (09022015). Collection method: clinical testing. Allele origin: germline.
Comment: This sequence change replaces methionine with leucine at codon 492 of the RTEL1 protein (p.Met492Leu). The methionine residue is highly conserved and there is a small physicochemical difference between methionine and leucine. This variant is not present in population databases (ExAC no frequency). This variant has not been reported in the literature in individuals affected with RTEL1-related conditions. Algorithms developed to predict the effect of missense changes on protein structure and function output the following: SIFT: "Tolerated"; PolyPhen-2: "Benign"; Align-GVGD: "Class C0". The leucine amino acid residue is found in multiple mammalian species, which suggests that this missense change does not adversely affect protein function. This variant disrupts the p.Met492 amino acid residue in RTEL1. Other variant(s) that disrupt this residue have been determined to be pathogenic (PMID: 19461895, 23453664, 23959892). This suggests that this residue is clinically significant, and that variants that disrupt this residue are likely to be disease-causing. In summary, the available evidence is currently insufficient to determine the role of this variant in disease. Therefore, it has been classified as a Variant of Uncertain Significance.

Breakthrough Genomics
Classification: Uncertain significance. Review status: criteria provided, single submitter. Criteria: ACMG Guidelines, 2015. Collection method: not provided. Allele origin: germline. Inheritance: Autosomal dominant inheritance. Affected: yes.

Literature cited by the submitters: PubMed 19461895 (cited by Labcorp Genetics (formerly Invitae), Labcorp); PubMed 23453664 (cited by Labcorp Genetics (formerly Invitae), Labcorp); PubMed 23959892 (cited by Labcorp Genetics (formerly Invitae), Labcorp).